The following is an entry in ClinVar:

ClinVar aggregate classification (germline): Pathogenic (1 of 4 stars; one submission).

Submission:

Labcorp Genetics (formerly Invitae), Labcorp
Classification: Pathogenic. Last evaluated: 2020-07-16. Review status: criteria provided, single submitter. Criteria: Invitae Variant Classification Sherloc (09022015). Collection method: clinical testing. Allele origin: germline.
Comment: For these reasons, this variant has been classified as Pathogenic. Donor and acceptor splice site variants typically lead to a loss of protein function (PMID: 16199547), and loss-of-function variants in ABCC8 are known to be pathogenic (PMID: 20685672, 23345197). Algorithms developed to predict the effect of sequence changes on RNA splicing suggest that this variant may disrupt the consensus splice site, but this prediction has not been confirmed by published transcriptional studies. Disruption of this splice site has been observed in individual(s) with autosomal recessive familial hyperinsulinism (PMID: 24401662). In at least one individual the data is consistent with the variant being in trans (on the opposite chromosome) from a pathogenic variant. This variant is not present in population databases (ExAC no frequency). This sequence change affects an acceptor splice site in intron 15 of the ABCC8 gene. It is expected to disrupt RNA splicing and likely results in an absent or disrupted protein product.

Literature cited by the submitters: PubMed 16199547; PubMed 20685672; PubMed 23345197; PubMed 24401662.

NM_000352.6(ABCC8):c.2117-3_2117-2inv

Gene: ABCC8 (ATP binding cassette subfamily C member 8; minus strand). Cytogenetic location: 11p15.1.
Variant type: Inversion.
Coding change: c.2117-3_2117-2inv on transcript NM_000352.6 (MANE Select).
Molecular consequence: splice acceptor variant.
Genome position: GRCh38 VCF-style: chr11-17427156-TG-CA. GRCh37 (hg19) VCF-style: chr11-17448703-TG-CA.
Other names: c.2114-3_2114-2inv (NM_001351297.2, NM_001351296.2); c.2183-3_2183-2inv (NM_001351295.2); c.2117-3_2117-2inv (NM_001287174.3).
Identifiers: ClinVar variation 1069965 (VCV001069965.8), ClinGen allele CA2499220828.
Genomic context (GRCh38, chr11:17,427,156, plus strand): 5'-GGCTAGAAGGAGCGAGGACTTGCCGCAGCCCACCTGCCCCACGATCATAGTCAGCTGGCC[TG>CA]CAGGGAGGGAGGGTGGCAGATGTGAGTGGGGCCGGGGGAGTCTGAACAACCATTACCCAG-3'